The following is an entry in ClinVar:

NM_016219.5(MAN1B1):c.26G>C (p.Ser9Thr)

Genes: MAN1B1 (mannosidase alpha class 1B member 1; plus strand), LOC130003078 (ATAC-STARR-seq lymphoblastoid active region 29343; plus strand). Cytogenetic location: 9q34.3.
Variant type: single nucleotide variant.
Coding change: c.26G>C on transcript NM_016219.5 (MANE Select); coding-DNA position 26, G replaced by C.
Protein change: p.Ser9Thr; replaces serine 9 with threonine.
Molecular consequence: missense variant. On other transcripts: non-coding transcript variant (2).
Genome position (GRCh38, 1-based): chr9:137,087,025, G>C. VCF-style: chr9-137087025-G-C. GRCh37 (hg19) VCF-style: chr9-139981477-G-C.
Other names: short protein forms S9T.
Identifiers: ClinVar variation 588165 (VCV000588165.16), dbSNP rs140568381, ClinGen allele CA5358434.

ClinVar aggregate classification (germline): Uncertain significance. Review status: criteria provided, multiple submitters, no conflicts (2 of 4 stars). 4 submissions from 4 submitters: Uncertain significance (4). Last evaluated 2024-11-19.

Conditions:
Rafiq syndrome (RAFQS). Identifiers: Orphanet 88616, MedGen C3280127, MONDO:0013624, OMIM 614202.
Inborn genetic diseases. Identifiers: MedGen C0950123, MeSH D030342.

Allele frequency attached by ClinVar (database versions not stated): gnomAD exomes 0.00020; ExAC 0.00023; gnomAD 0.00031; ESP Exome Variant Server 0.00046; TOPMed 0.00049.
gnomAD v4.1: 948 of 1,601,582 alleles (0.059%); highest among the groups gnomAD compares: Non-Finnish European, 0.073%; 1 homozygote.

Submissions (4):

Blueprint Genetics
Classification: Uncertain significance. Last evaluated: 2024-11-19. Review status: criteria provided, single submitter. Criteria: ACMG Guidelines, 2015. Collection method: clinical testing. Allele origin: germline.

Labcorp Genetics (formerly Invitae), Labcorp
Classification: Uncertain significance for Rafiq syndrome. Last evaluated: 2022-09-07. Review status: criteria provided, single submitter. Criteria: Invitae Variant Classification Sherloc (09022015). Collection method: clinical testing. Allele origin: germline.
Comment: This sequence change replaces serine, which is neutral and polar, with threonine, which is neutral and polar, at codon 9 of the MAN1B1 protein (p.Ser9Thr). This variant is present in population databases (rs140568381, gnomAD 0.04%). This variant has not been reported in the literature in individuals affected with MAN1B1-related conditions. ClinVar contains an entry for this variant (Variation ID: 588165). Algorithms developed to predict the effect of missense changes on protein structure and function output the following: SIFT: "Deleterious"; PolyPhen-2: "Benign"; Align-GVGD: "Class C0". The threonine amino acid residue is found in multiple mammalian species, which suggests that this missense change does not adversely affect protein function. In summary, the available evidence is currently insufficient to determine the role of this variant in disease. Therefore, it has been classified as a Variant of Uncertain Significance.

Ambry Genetics
Classification: Uncertain significance for Inborn genetic diseases. Last evaluated: 2018-01-25. Review status: criteria provided, single submitter. Criteria: Ambry Variant Classification Scheme 2023. Collection method: clinical testing. Allele origin: germline.
Comment: The p.S9T variant (also known as c.26G>C), located in coding exon 1 of the MAN1B1 gene, results from a G to C substitution at nucleotide position 26. The serine at codon 9 is replaced by threonine, an amino acid with similar properties. This amino acid position is not well conserved in available vertebrate species. In addition, this alteration is predicted to be tolerated by in silico analysis. Since supporting evidence is limited at this time, the clinical significance of this alteration remains unclear.

Illumina Laboratory Services, Illumina
Classification: Uncertain significance for Rafiq syndrome. Last evaluated: 2018-01-13. Review status: criteria provided, single submitter. Criteria: ICSL Variant Classification Criteria 13 December 2019. Collection method: clinical testing. Allele origin: germline.